The following is an entry in ClinVar:

NM_000038.6(APC):c.606A>G (p.Glu202=)

Gene: APC (APC regulator of Wnt signaling pathway; plus strand). Cytogenetic location: 5q22.2.
Variant type: single nucleotide variant.
Coding change: c.606A>G on transcript NM_000038.6 (MANE Select); coding-DNA position 606, A replaced by G.
Protein change: p.Glu202=; no amino-acid change (glutamic acid 202 retained).
Molecular consequence: synonymous variant. On other transcripts: 5 prime UTR variant (1).
Genome position (GRCh38, 1-based): chr5:112,780,864, A>G. VCF-style: chr5-112780864-A-G. GRCh37 (hg19) VCF-style: chr5-112116561-A-G.
Other names: c.606A>G, p.Glu202= (NM_001127510.3, NM_001354895.2, NM_001354896.2 and 2 more transcripts); c.636A>G, p.Glu212= (NM_001127511.3, NM_001354897.2, NM_001354902.2); c.531A>G, p.Glu177= (NM_001354898.2, NM_001354904.2); c.429A>G, p.Glu143= (NM_001354900.2, NM_001354901.2, NM_001354905.2); c.-430A>G (NM_001354906.2).
Identifiers: ClinVar variation 236627 (VCV000236627.18), dbSNP rs878853460, ClinGen allele CA10582280.
Genomic context (GRCh38, chr5:112,780,864, plus strand): 5'-AGATATGACCAGAAGGCAATTGGAATATGAAGCAAGGCAAATCAGAGTTGCGATGGAAGA[A>G]CAACTAGGTACCTGCCAGGATATGGAAAAACGAGCACAGGTAAGTTACTTGTTTCTAAGT-3'
Protein context (NP_000029.2, residues 192-212): EARQIRVAME[Glu202=]QLGTCQDMEK

ClinVar aggregate classification (germline): Benign/Likely benign. Review status: criteria provided, multiple submitters, no conflicts (2 of 4 stars). 5 submissions from 5 submitters: Benign (1); Likely benign (4). Last evaluated 2025-08-24.

Conditions:
Classic or attenuated familial adenomatous polyposis. Identifiers: MedGen CN372698, MONDO:0021057.
Hereditary cancer-predisposing syndrome. Also called: Hereditary neoplastic syndrome; Hereditary Cancer Syndrome; Neoplastic Syndromes, Hereditary; Tumor predisposition. Identifiers: Orphanet 140162, MedGen C0027672, MeSH D009386, MONDO:0015356.
Familial adenomatous polyposis 1 (FAP1). Also called: FAMILIAL ADENOMATOUS POLYPOSIS 1, ATTENUATED; POLYPOSIS, ADENOMATOUS INTESTINAL. Identifiers: MedGen C2713442, MONDO:0021056, OMIM 175100. Disease mechanism: loss of function.

Allele frequency attached by ClinVar (database versions not stated): gnomAD exomes below 0.00001.
gnomAD v4.1: 1 of 1,613,076 alleles (0.000062%); highest among the groups gnomAD compares: Non-Finnish European, 0.000085%; no homozygotes.

Submissions (5):

Labcorp Genetics (formerly Invitae), Labcorp
Classification: Likely benign for Familial adenomatous polyposis 1. Last evaluated: 2025-08-24. Review status: criteria provided, single submitter. Criteria: Invitae Variant Classification Sherloc (09022015). Collection method: clinical testing. Allele origin: germline.

Myriad Genetics, Inc.
Classification: Benign for Familial adenomatous polyposis 1. Last evaluated: 2024-02-26. Review status: criteria provided, single submitter. Criteria: Myriad Autosomal Dominant, Autosomal Recessive and X-Linked Classification Criteria (2023). Collection method: clinical testing. Allele origin: unknown.
Comment: This variant is considered benign. This variant is a silent/synonymous amino acid change and it is not expected to impact splicing.

All of Us Research Program, National Institutes of Health
Classification: Likely benign for Classic or attenuated familial adenomatous polyposis. Last evaluated: 2023-11-02. Review status: criteria provided, single submitter. Criteria: ACMG Guidelines, 2015. Collection method: clinical testing. Allele origin: germline. Inheritance: Autosomal dominant inheritance. Observed: 2 variant alleles, 2 heterozygotes.
Comment: This study involves interpretation of variants in research participants for the purpose of population health screening. Participant phenotype was not available at the time of variant classification. Additional details can be found in publication PMID: 35346344, PMCID: PMC8962531

Ambry Genetics
Classification: Likely benign for Hereditary cancer-predisposing syndrome. Last evaluated: 2018-07-06. Review status: criteria provided, single submitter. Criteria: Ambry Variant Classification Scheme 2023. Collection method: clinical testing. Allele origin: germline.

Color Diagnostics, LLC DBA Color Health
Classification: Likely benign for Hereditary cancer-predisposing syndrome. Last evaluated: 2017-03-28. Review status: criteria provided, single submitter. Criteria: ACMG Guidelines, 2015. Collection method: clinical testing. Allele origin: germline.